The following is an entry in ClinVar:

NM_001282933.2(ZNF341):c.1170C>T (p.Thr390=)

Gene: ZNF341 (zinc finger protein 341; plus strand). Cytogenetic location: 20q11.22.
Variant type: single nucleotide variant.
Coding change: c.1170C>T on transcript NM_001282933.2 (MANE Select); coding-DNA position 1170, C replaced by T.
Protein change: p.Thr390=; no amino-acid change (threonine 390 retained).
Molecular consequence: synonymous variant. On other transcripts: non-coding transcript variant (1).
Genome position (GRCh38, 1-based): chr20:33,762,003, C>T. VCF-style: chr20-33762003-C-T. GRCh37 (hg19) VCF-style: chr20-32349809-C-T.
Other names: c.900C>T, p.Thr300= (NM_001282935.2); c.1149C>T, p.Thr383= (NM_032819.5).
Identifiers: ClinVar variation 1548173 (VCV001548173.10), dbSNP rs6088297, ClinGen allele CA9819380.

ClinVar aggregate classification (germline): Likely benign. Review status: criteria provided, multiple submitters, no conflicts (2 of 4 stars). 3 submissions from 3 submitters: Likely benign (3). Last evaluated 2026-08-01.

Allele frequency attached by ClinVar (database versions not stated): ExAC 0.00001; gnomAD 0.00002 and 0.00003; gnomAD exomes 0.00002; TOPMed 0.00003; 1000 Genomes Project 30x 0.00016; 1000 Genomes Project 0.00020.
gnomAD v4.1: 38 of 1,603,790 alleles (0.0024%); highest among the groups gnomAD compares: East Asian, 0.0045%; no homozygotes.

Submissions (3):

CeGaT Center for Human Genetics Tuebingen
Classification: Likely benign. Last evaluated: 2026-08-01. Review status: criteria provided, single submitter. Criteria: CeGaT Center For Human Genetics Tuebingen Variant Classification Criteria Version 2. Collection method: clinical testing. Allele origin: germline. Affected: yes. Observed: 1 variant allele.
Comment: ZNF341: BP4, BP7

Labcorp Genetics (formerly Invitae), Labcorp
Classification: Likely benign. Last evaluated: 2025-10-08. Review status: criteria provided, single submitter. Criteria: Invitae Variant Classification Sherloc (09022015). Collection method: clinical testing. Allele origin: germline.

Blueprint Genetics
Classification: Likely benign. Last evaluated: 2023-12-20. Review status: criteria provided, single submitter. Criteria: ACMG Guidelines, 2015. Collection method: clinical testing. Allele origin: germline.